The following is an entry in ClinVar:

NM_020041.3(SLC2A9):c.1150C>T (p.Leu384Phe)

Gene: SLC2A9 (solute carrier family 2 member 9; minus strand). Cytogenetic location: 4p16.1.
Variant type: single nucleotide variant.
Coding change: c.1150C>T on transcript NM_020041.3 (MANE Select); coding-DNA position 1150, C replaced by T.
Protein change: p.Leu384Phe; replaces leucine 384 with phenylalanine.
Molecular consequence: missense variant.
Genome position (GRCh38, 1-based): chr4:9,890,675, G>A on the plus strand (C>T on the coding strand, the complement: SLC2A9 is on the minus strand). VCF-style: chr4-9890675-G-A. GRCh37 (hg19) VCF-style: chr4-9892299-G-A.
Other names: c.1063C>T, p.Leu355Phe (NM_001001290.2); short protein forms L355F, L384F.
Identifiers: ClinVar variation 4526808 (VCV004526808.1).

ClinVar aggregate classification (germline): Uncertain significance (1 of 4 stars; one submission).

Conditions:
Hypouricemia, renal, 2. Also called: HYPOURICEMIA, RENAL, 2, AUTOSOMAL DOMINANT; HYPOURICEMIA, RENAL, 2, AUTOSOMAL RECESSIVE. Identifiers: MedGen C2677549, MONDO:0012793, OMIM 612076.

Submission:

Rare Kidney Stone Consortium and the Mayo Clinic Hyperoxaluria Center, Mayo Clinic
Classification: Uncertain significance for Hypouricemia, renal, 2. Last evaluated: 2025-10-03. Review status: criteria provided, single submitter. Criteria: ACMG Guidelines, 2015. Collection method: research. Allele origin: germline. Observed: 1 variant allele.
Comment: ACMG:PM1, PM2, PP3

Literature cited by the submitters: PubMed 40794449.